The following is an entry in ClinVar:

NM_000135.4(FANCA):c.1777-41_1777-38del

Gene: FANCA (FA complementation group A; minus strand). Cytogenetic location: 16q24.3.
Variant type: Deletion.
Coding change: c.1777-41_1777-38del on transcript NM_000135.4 (MANE Select); 41 bases into the intron before coding-DNA position 1777 through 38 bases into the intron before coding-DNA position 1777, 4 bases deleted (TTTC; older notation c.1777-41_1777-38delTTTC).
Molecular consequence: intron variant.
Genome position (GRCh38, 1-based): chr16:89,778,888-89,778,891, GAAA deleted on the plus strand (TTTC on the coding strand, the reverse complement: FANCA is on the minus strand); deleting any 4 consecutive bases within chr16:89,778,888-89,778,892 gives the same sequence; the c. name uses the placement nearest the transcript's 3' end. VCF-style (leftmost placement, unchanged base first): chr16-89778887-GGAAA-G. GRCh37 (hg19) VCF-style: chr16-89845295-GGAAA-G.
Other names: c.1777-41_1777-38del (LRG_495t1, NM_001286167.3); c.1777-41_1777-38delTTTC (NM_000135.2).
Identifiers: ClinVar variation 255240 (VCV000255240.4), dbSNP rs56163653, ClinGen allele CA8252092.

ClinVar aggregate classification (germline): Benign/Likely benign. Review status: criteria provided, multiple submitters, no conflicts (2 of 4 stars). 2 submissions from 2 submitters: Benign (1); Likely benign (1). Last evaluated 2019-06-21.

Submissions (2):

GeneDx
Classification: Likely benign. Last evaluated: 2019-06-21. Review status: criteria provided, single submitter. Criteria: GeneDx Variant Classification Process June 2021. Collection method: clinical testing. Allele origin: germline. Affected: yes.
Comment: See Variant Classification Assertion Criteria.

PreventionGenetics, part of Exact Sciences
Classification: Benign. Review status: criteria provided, single submitter. Criteria: ACMG Guidelines, 2015. Collection method: clinical testing. Allele origin: germline.